The following is an entry in ClinVar:

ClinVar aggregate classification (germline): Likely benign. Review status: criteria provided, multiple submitters, no conflicts (2 of 4 stars). 2 submissions from 2 submitters: Likely benign (2). Last evaluated 2024-01-01.

Allele frequency attached by ClinVar (database versions not stated): gnomAD 0.00010; 1000 Genomes Project 30x 0.00047; 1000 Genomes Project 0.00060; ESP Exome Variant Server 0.00082; TOPMed 0.00092.

Submissions (2):

CeGaT Center for Human Genetics Tuebingen
Classification: Likely benign. Last evaluated: 2024-01-01. Review status: criteria provided, single submitter. Criteria: CeGaT Center For Human Genetics Tuebingen Variant Classification Criteria Version 2. Collection method: clinical testing. Allele origin: germline. Affected: yes. Observed: 1 variant allele.
Comment: DAPK1: BP4, BS2

Labcorp Genetics (formerly Invitae), Labcorp
Classification: Likely benign. Last evaluated: 2018-04-10. Review status: criteria provided, single submitter. Criteria: Invitae Variant Classification Sherloc (09022015). Collection method: clinical testing. Allele origin: germline.

NM_004938.4(DAPK1):c.4043G>T (p.Gly1348Val)

Gene: DAPK1 (death associated protein kinase 1; plus strand). Cytogenetic location: 9q21.33.
Variant type: single nucleotide variant.
Coding change: c.4043G>T on transcript NM_004938.4 (MANE Select); coding-DNA position 4043, G replaced by T.
Protein change: p.Gly1348Val; replaces glycine 1348 with valine.
Molecular consequence: missense variant.
Genome position (GRCh38, 1-based): chr9:87,707,114, G>T. VCF-style: chr9-87707114-G-T. GRCh37 (hg19) VCF-style: chr9-90322029-G-T.
Other names: c.4043G>T, p.Gly1348Val (NM_001288729.2, NM_001288730.2, NM_001288731.2); short protein forms G1348V.
Identifiers: ClinVar variation 739762 (VCV000739762.25), dbSNP rs200514264, ClinGen allele CA5110859.